The following is an entry in ClinVar:

ClinVar aggregate classification (germline): Uncertain significance (1 of 4 stars; one submission).

Conditions:
Absence seizure. Also called: Absence epilepsy. Identifiers: Orphanet 1941, MedGen C0014553.
Myoclonic epilepsy, juvenile, susceptibility to, 1. Also called: Myoclonic Epilepsy, Juvenile, 1; EJM1. Identifiers: MedGen C1850778, MONDO:0020752, OMIM 254770.

Allele frequency attached by ClinVar (database versions not stated): gnomAD exomes below 0.00001; ExAC 0.00001.
gnomAD v4.1: 2 of 1,613,992 alleles (0.00012%); highest among the groups gnomAD compares: South Asian, 0.0011%; no homozygotes.

Submission:

Labcorp Genetics (formerly Invitae), Labcorp
Classification: Uncertain significance for Myoclonic epilepsy, juvenile, susceptibility to, 1; Absence seizure. Last evaluated: 2022-11-22. Review status: criteria provided, single submitter. Criteria: Invitae Variant Classification Sherloc (09022015). Collection method: clinical testing. Allele origin: germline.
Comment: This sequence change replaces lysine, which is basic and polar, with glutamic acid, which is acidic and polar, at codon 434 of the EFHC1 protein (p.Lys434Glu). This variant is present in population databases (rs771316611, gnomAD 0.003%). This variant has not been reported in the literature in individuals affected with EFHC1-related conditions. ClinVar contains an entry for this variant (Variation ID: 1026185). Advanced modeling of protein sequence and biophysical properties (such as structural, functional, and spatial information, amino acid conservation, physicochemical variation, residue mobility, and thermodynamic stability) performed at Invitae indicates that this missense variant is not expected to disrupt EFHC1 protein function. In summary, the available evidence is currently insufficient to determine the role of this variant in disease. Therefore, it has been classified as a Variant of Uncertain Significance.

NM_018100.4(EFHC1):c.1300A>G (p.Lys434Glu)

Gene: EFHC1 (EF-hand domain containing 1; plus strand). Cytogenetic location: 6p12.2.
Variant type: single nucleotide variant.
Coding change: c.1300A>G on transcript NM_018100.4 (MANE Select); coding-DNA position 1300, A replaced by G.
Protein change: p.Lys434Glu; replaces lysine 434 with glutamic acid.
Molecular consequence: missense variant. On other transcripts: non-coding transcript variant (1).
Genome position (GRCh38, 1-based): chr6:52,479,058, A>G. VCF-style: chr6-52479058-A-G. GRCh37 (hg19) VCF-style: chr6-52343856-A-G.
Other names: c.1243A>G, p.Lys415Glu (NM_001172420.2); short protein forms K415E, K434E.
Identifiers: ClinVar variation 1026185 (VCV001026185.10), dbSNP rs771316611, ClinGen allele CA3856056.